The following is an entry in ClinVar:

NM_017612.5(ZCCHC8):c.1955C>G (p.Thr652Arg)

Gene: ZCCHC8 (zinc finger CCHC-type containing 8; minus strand). Cytogenetic location: 12q24.31.
Variant type: single nucleotide variant.
Coding change: c.1955C>G on transcript NM_017612.5 (MANE Select); coding-DNA position 1955, C replaced by G.
Protein change: p.Thr652Arg; replaces threonine 652 with arginine.
Molecular consequence: missense variant.
Genome position (GRCh38, 1-based): chr12:122,473,666, G>C on the plus strand (C>G on the coding strand, the complement: ZCCHC8 is on the minus strand). VCF-style: chr12-122473666-G-C. GRCh37 (hg19) VCF-style: chr12-122958213-G-C.
Other names: c.1724C>G, p.Thr575Arg (NM_001350935.2); c.1658C>G, p.Thr553Arg (NM_001350936.2); c.1241C>G, p.Thr414Arg (NM_001350937.2, NM_001350938.2); short protein forms T414R, T575R, T652R, T553R.
Identifiers: ClinVar variation 3657563 (VCV003657563.2).

ClinVar aggregate classification (germline): Uncertain significance (1 of 4 stars; one submission).

Submission:

Labcorp Genetics (formerly Invitae), Labcorp
Classification: Uncertain significance. Last evaluated: 2024-06-23. Review status: criteria provided, single submitter. Criteria: Invitae Variant Classification Sherloc (09022015). Collection method: clinical testing. Allele origin: germline.
Comment: This sequence change replaces threonine, which is neutral and polar, with arginine, which is basic and polar, at codon 652 of the ZCCHC8 protein (p.Thr652Arg). This variant is not present in population databases (gnomAD no frequency). This variant has not been reported in the literature in individuals affected with ZCCHC8-related conditions. Advanced modeling of protein sequence and biophysical properties (such as structural, functional, and spatial information, amino acid conservation, physicochemical variation, residue mobility, and thermodynamic stability) performed at Invitae indicates that this missense variant is not expected to disrupt ZCCHC8 protein function with a negative predictive value of 80%. In summary, the available evidence is currently insufficient to determine the role of this variant in disease. Therefore, it has been classified as a Variant of Uncertain Significance.